The following is an entry in ClinVar:

NM_001267550.2(TTN):c.59235C>T (p.Thr19745=)

Genes: TTN (titin; minus strand), TTN-AS1 (TTN antisense RNA 1; plus strand). Cytogenetic location: 2q31.2.
Variant type: single nucleotide variant.
Coding change: c.59235C>T on transcript NM_001267550.2 (MANE Select); coding-DNA position 59235, C replaced by T.
Protein change: p.Thr19745=; no amino-acid change (threonine 19745 retained).
Molecular consequence: synonymous variant.
Genome position (GRCh38, 1-based): chr2:178,592,884, G>A on the plus strand (C>T on the coding strand, the complement: TTN is on the minus strand). VCF-style: chr2-178592884-G-A. GRCh37 (hg19) VCF-style: chr2-179457611-G-A.
Other names: c.54312C>T, p.Thr18104= (NM_001256850.1); c.32040C>T, p.Thr10680= (NM_003319.4); c.51531C>T, p.Thr17177= (NM_133378.4); c.32415C>T, p.Thr10805= (NM_133432.3); c.32616C>T, p.Thr10872= (NM_133437.4).
Identifiers: ClinVar variation 701046 (VCV000701046.17), dbSNP rs180965342, ClinGen allele CA1992699.

ClinVar aggregate classification (germline): Likely benign. Review status: criteria provided, multiple submitters, no conflicts (2 of 4 stars). 6 submissions from 6 submitters: Likely benign (6). Last evaluated 2026-06-08.

Conditions:
Cardiovascular phenotype. Identifiers: MedGen CN230736.
Autosomal recessive limb-girdle muscular dystrophy type 2J (LGMDR10). Also called: MUSCULAR DYSTROPHY, LIMB-GIRDLE, AUTOSOMAL RECESSIVE 10; Limb-girdle muscular dystrophy, type 2J. Identifiers: Orphanet 140922, MedGen C1837342, MONDO:0012127, OMIM 608807.
Dilated cardiomyopathy 1G (CMD1G). Identifiers: Orphanet 154, MedGen C1858763, MONDO:0011400, OMIM 604145.

Allele frequency attached by ClinVar (database versions not stated): gnomAD 0.00004 and 0.00005; gnomAD exomes 0.00004 and 0.00006; TOPMed 0.00005; ExAC 0.00010; 1000 Genomes Project 0.00040; 1000 Genomes Project 30x 0.00047.
gnomAD v4.1: 73 of 1,613,398 alleles (0.0045%); highest among the groups gnomAD compares: Admixed American, 0.01%; 1 homozygote.

Submissions (6):

Women's Health and Genetics/Laboratory Corporation of America, LabCorp
Classification: Likely benign. Last evaluated: 2026-06-08. Review status: criteria provided, single submitter. Criteria: LabCorp Variant Classification Summary - May 2015. Collection method: clinical testing. Allele origin: germline.

Labcorp Genetics (formerly Invitae), Labcorp
Classification: Likely benign for Dilated cardiomyopathy 1G; Autosomal recessive limb-girdle muscular dystrophy type 2J. Last evaluated: 2025-11-12. Review status: criteria provided, single submitter. Criteria: Invitae Variant Classification Sherloc (09022015). Collection method: clinical testing. Allele origin: germline.

Molecular Diagnostic Laboratory for Inherited Cardiovascular Disease, Montreal Heart Institute
Classification: Likely benign. Last evaluated: 2025-07-24. Review status: criteria provided, single submitter. Criteria: ACMG Guidelines, 2015. Collection method: clinical testing. Allele origin: germline. Affected: no.
Comment: BP7

Ambry Genetics
Classification: Likely benign for Cardiovascular phenotype. Last evaluated: 2021-03-06. Review status: criteria provided, single submitter. Criteria: Ambry Variant Classification Scheme 2023. Collection method: clinical testing. Allele origin: germline.

Athena Diagnostics
Classification: Likely benign. Last evaluated: 2020-06-05. Review status: criteria provided, single submitter. Criteria: Athena Diagnostics Criteria. Collection method: clinical testing. Allele origin: unknown.

GeneDx
Classification: Likely benign. Last evaluated: 2019-02-15. Review status: criteria provided, single submitter. Criteria: GeneDx Variant Classification Process June 2021. Collection method: clinical testing. Allele origin: germline. Affected: yes.